The following is an entry in ClinVar:

ClinVar aggregate classification (germline): Uncertain significance (1 of 4 stars; one submission).

Submission:

Labcorp Genetics (formerly Invitae), Labcorp
Classification: Uncertain significance. Last evaluated: 2024-02-06. Review status: criteria provided, single submitter. Criteria: Invitae Variant Classification Sherloc (09022015). Collection method: clinical testing. Allele origin: germline.
Comment: This sequence change replaces alanine, which is neutral and non-polar, with valine, which is neutral and non-polar, at codon 35 of the RBFOX2 protein (p.Ala35Val). This variant is not present in population databases (gnomAD no frequency). This variant has not been reported in the literature in individuals affected with RBFOX2-related conditions. An algorithm developed to predict the effect of missense changes on protein structure and function (PolyPhen-2) suggests that this variant is likely to be tolerated. In summary, the available evidence is currently insufficient to determine the role of this variant in disease. Therefore, it has been classified as a Variant of Uncertain Significance.

NM_001349999.2(RBFOX2):c.104C>T (p.Ala35Val)

Gene: RBFOX2 (RNA binding fox-1 homolog 2; minus strand). Cytogenetic location: 22q12.3.
Variant type: single nucleotide variant.
Coding change: c.104C>T on transcript NM_001349999.2 (MANE Select); coding-DNA position 104, C replaced by T.
Protein change: p.Ala35Val; replaces alanine 35 with valine.
Molecular consequence: missense variant.
Genome position (GRCh38, 1-based): chr22:36,028,322, G>A on the plus strand (C>T on the coding strand, the complement: RBFOX2 is on the minus strand). VCF-style: chr22-36028322-G-A. GRCh37 (hg19) VCF-style: chr22-36424370-G-A.
Other names: c.104C>T, p.Ala35Val (NM_001082578.4, NM_001082579.3, NM_001394108.1 and 7 more transcripts); short protein forms A35V.
Identifiers: ClinVar variation 3700799 (VCV003700799.2).